The following is an entry in ClinVar:

NM_182641.4(BPTF):c.490G>A (p.Asp164Asn)

Genes: BPTF (bromodomain PHD finger transcription factor; plus strand), LOC130061496 (ATAC-STARR-seq lymphoblastoid active region 12632; plus strand). Cytogenetic location: 17q24.2.
Variant type: single nucleotide variant.
Coding change: c.490G>A on transcript NM_182641.4 (MANE Select); coding-DNA position 490, G replaced by A.
Protein change: p.Asp164Asn; replaces aspartic acid 164 with asparagine.
Molecular consequence: missense variant.
Genome position (GRCh38, 1-based): chr17:67,826,214, G>A. VCF-style: chr17-67826214-G-A. GRCh37 (hg19) VCF-style: chr17-65822330-G-A.
Other names: c.490G>A, p.Asp164Asn (NM_004459.7); short protein forms D164N.
Identifiers: ClinVar variation 2662798 (VCV002662798.1), dbSNP rs2509404434, ClinGen allele CA400716086.

ClinVar aggregate classification (germline): Uncertain significance (1 of 4 stars; one submission).

Submission:

GeneDx
Classification: Uncertain significance. Last evaluated: 2023-04-06. Review status: criteria provided, single submitter. Criteria: GeneDx Variant Classification Process June 2021. Collection method: clinical testing. Allele origin: germline. Affected: yes.
Comment: Not observed at significant frequency in large population cohorts (gnomAD); In silico analysis supports that this missense variant does not alter protein structure/function; Has not been previously published as pathogenic or benign to our knowledge